The following is an entry in ClinVar:

NM_020699.4(GATAD2B):c.597+4A>G

Gene: GATAD2B (GATA zinc finger domain containing 2B; minus strand). Cytogenetic location: 1q21.3.
Variant type: single nucleotide variant.
Coding change: c.597+4A>G on transcript NM_020699.4 (MANE Select); 4 bases into the intron after coding-DNA position 597, A replaced by G.
Molecular consequence: intron variant.
Genome position (GRCh38, 1-based): chr1:153,818,787, T>C on the plus strand (A>G on the coding strand, the complement: GATAD2B is on the minus strand). VCF-style: chr1-153818787-T-C. GRCh37 (hg19) VCF-style: chr1-153791263-T-C.
Identifiers: ClinVar variation 2791248 (VCV002791248.3), dbSNP rs907778935, ClinGen allele CA30710210.

ClinVar aggregate classification (germline): Uncertain significance (1 of 4 stars; one submission).

Allele frequency attached by ClinVar (database versions not stated): gnomAD 0.00001; gnomAD exomes 0.00001; TOPMed 0.00001.
gnomAD v4.1: 6 of 1,612,934 alleles (0.00037%); highest among the groups gnomAD compares: Admixed American, 0.01%; no homozygotes.

Submission:

Labcorp Genetics (formerly Invitae), Labcorp
Classification: Uncertain significance. Last evaluated: 2023-07-29. Review status: criteria provided, single submitter. Criteria: Invitae Variant Classification Sherloc (09022015). Collection method: clinical testing. Allele origin: germline.
Comment: In summary, the available evidence is currently insufficient to determine the role of this variant in disease. Therefore, it has been classified as a Variant of Uncertain Significance. Variants that disrupt the consensus splice site are a relatively common cause of aberrant splicing (PMID: 17576681, 9536098). Algorithms developed to predict the effect of sequence changes on RNA splicing suggest that this variant is not likely to affect RNA splicing. This sequence change falls in intron 4 of the GATAD2B gene. It does not directly change the encoded amino acid sequence of the GATAD2B protein. It affects a nucleotide within the consensus splice site. This variant is present in population databases (no rsID available, gnomAD 0.009%). This variant has not been reported in the literature in individuals affected with GATAD2B-related conditions.

Literature cited by the submitters: PubMed 17576681; PubMed 9536098.